The following is an entry in ClinVar:

NM_000979.4(RPL18):c.329G>A (p.Arg110His)

Gene: RPL18 (ribosomal protein L18; minus strand). Cytogenetic location: 19q13.33.
Variant type: single nucleotide variant.
Coding change: c.329G>A on transcript NM_000979.4 (MANE Select); coding-DNA position 329, G replaced by A.
Protein change: p.Arg110His; replaces arginine 110 with histidine.
Molecular consequence: missense variant. On other transcripts: non-coding transcript variant (1).
Genome position (GRCh38, 1-based): chr19:48,616,171, C>T on the plus strand (G>A on the coding strand, the complement: RPL18 is on the minus strand). VCF-style: chr19-48616171-C-T. GRCh37 (hg19) VCF-style: chr19-49119428-C-T.
Other names: c.242G>A, p.Arg81His (NM_001270490.2); c.329G>A (NM_000979.2); short protein forms R110H, R81H.
Identifiers: ClinVar variation 2869957 (VCV002869957.4), dbSNP rs776972248, ClinGen allele CA9554048.

ClinVar aggregate classification (germline): Uncertain significance. Review status: criteria provided, multiple submitters, no conflicts (2 of 4 stars). 2 submissions from 2 submitters: Uncertain significance (2). Last evaluated 2025-08-02.

Allele frequency attached by ClinVar (database versions not stated): ExAC 0.00001; gnomAD 0.00001; TOPMed 0.00003; gnomAD exomes 0.00003.

Submissions (2):

Labcorp Genetics (formerly Invitae), Labcorp
Classification: Uncertain significance. Last evaluated: 2025-08-02. Review status: criteria provided, single submitter. Criteria: Invitae Variant Classification Sherloc (09022015). Collection method: clinical testing. Allele origin: germline.
Comment: This sequence change replaces arginine, which is basic and polar, with histidine, which is basic and polar, at codon 110 of the RPL18 protein (p.Arg110His). This variant is present in population databases (rs776972248, gnomAD 0.007%). This variant has not been reported in the literature in individuals affected with RPL18-related conditions. ClinVar contains an entry for this variant (Variation ID: 2869957). An algorithm developed to predict the effect of missense changes on protein structure and function (PolyPhen-2) suggests that this variant is likely to be tolerated. In summary, the available evidence is currently insufficient to determine the role of this variant in disease. Therefore, it has been classified as a Variant of Uncertain Significance.

Ambry Genetics
Classification: Uncertain significance. Last evaluated: 2024-03-15. Review status: criteria provided, single submitter. Criteria: Ambry Variant Classification Scheme 2023. Collection method: clinical testing. Allele origin: germline.